The following is an entry in ClinVar:

NM_004360.5(CDH1):c.1505G>A (p.Gly502Asp)

Gene: CDH1 (cadherin 1; plus strand). Cytogenetic location: 16q22.1.
Variant type: single nucleotide variant.
Coding change: c.1505G>A on transcript NM_004360.5 (MANE Select); coding-DNA position 1505, G replaced by A.
Protein change: p.Gly502Asp; replaces glycine 502 with aspartic acid.
Molecular consequence: missense variant. On other transcripts: 5 prime UTR variant (2).
Genome position (GRCh38, 1-based): chr16:68,815,699, G>A. VCF-style: chr16-68815699-G-A. GRCh37 (hg19) VCF-style: chr16-68849602-G-A.
Other names: c.1505G>A (LRG_301t1); c.1322G>A, p.Gly441Asp (NM_001317184.2); c.-44G>A (NM_001317185.2); c.-315G>A (NM_001317186.2); short protein forms G441D, G502D.
Identifiers: ClinVar variation 648871 (VCV000648871.13), dbSNP rs1597898169, ClinGen allele CA396463293.

ClinVar aggregate classification (germline): Uncertain significance. Review status: criteria provided, multiple submitters, no conflicts (2 of 4 stars). 2 submissions from 2 submitters: Uncertain significance (2). Last evaluated 2021-11-10.

Conditions:
Hereditary diffuse gastric adenocarcinoma (HDGC). Also called: DIFFUSE GASTRIC AND LOBULAR BREAST CANCER SYNDROME. Identifiers: Orphanet 26106, MedGen C1708349, MONDO:0007648, OMIM 137215.
Hereditary cancer-predisposing syndrome. Also called: Hereditary Cancer Syndrome; Tumor predisposition; Neoplastic Syndromes, Hereditary; Hereditary neoplastic syndrome. Identifiers: Orphanet 140162, MedGen C0027672, MeSH D009386, MONDO:0015356.

Allele frequency attached by ClinVar (database versions not stated): gnomAD exomes below 0.00001.

Submissions (2):

Labcorp Genetics (formerly Invitae), Labcorp
Classification: Uncertain significance for Hereditary diffuse gastric adenocarcinoma. Last evaluated: 2021-11-10. Review status: criteria provided, single submitter. Criteria: Invitae Variant Classification Sherloc (09022015). Collection method: clinical testing. Allele origin: germline.
Comment: Algorithms developed to predict the effect of missense changes on protein structure and function (SIFT, PolyPhen-2, Align-GVGD) all suggest that this variant is likely to be disruptive. ClinVar contains an entry for this variant (Variation ID: 648871). This variant has not been reported in the literature in individuals affected with CDH1-related conditions. This variant is not present in population databases (gnomAD no frequency). This sequence change replaces glycine, which is neutral and non-polar, with aspartic acid, which is acidic and polar, at codon 502 of the CDH1 protein (p.Gly502Asp). In summary, the available evidence is currently insufficient to determine the role of this variant in disease. Therefore, it has been classified as a Variant of Uncertain Significance.

Ambry Genetics
Classification: Uncertain significance for Hereditary cancer-predisposing syndrome. Last evaluated: 2019-08-29. Review status: criteria provided, single submitter. Criteria: Ambry Variant Classification Scheme 2023. Collection method: clinical testing. Allele origin: germline.
Comment: The p.G502D variant (also known as c.1505G>A), located in coding exon 10 of the CDH1 gene, results from a G to A substitution at nucleotide position 1505. The glycine at codon 502 is replaced by aspartic acid, an amino acid with similar properties. This alteration has been reported with a carrier frequency of 0.000 in 53 unselected male breast cancer patients and 0.0001 in 12490 male controls of Japanese ancestry (Momozawa Y et al. Nat Commun, 2018 10;9:4083). This amino acid position is well conserved in available vertebrate species. In addition, this alteration is predicted to be deleterious by in silico analysis. Since supporting evidence is limited at this time, the clinical significance of this alteration remains unclear.

Literature cited by the submitters: PubMed 30287823 (cited by Ambry Genetics).